The following is an entry in ClinVar:

ClinVar aggregate classification (germline): Uncertain significance (1 of 4 stars; one submission).

Conditions:
Ventricular arrhythmias due to cardiac ryanodine receptor calcium release deficiency syndrome. Also called: Autosomal dominant cardiac arrhythmia (Kuhn). Identifiers: MedGen C5542154, MONDO:0020745, OMIM 115000.

Submission:

Institute of Human Genetics, University of Leipzig Medical Center
Classification: Uncertain significance for Ventricular arrhythmias due to cardiac ryanodine receptor calcium release deficiency syndrome. Last evaluated: 2023-07-21. Review status: criteria provided, single submitter. Criteria: ACMG Guidelines, 2015. Collection method: clinical testing. Allele origin: unknown. Inheritance: Autosomal dominant inheritance. Affected: yes.
Comment: Criteria applied: PM2_SUP,PP2,PP3

NM_001035.3(RYR2):c.14801C>A (p.Thr4934Lys)

Gene: RYR2 (ryanodine receptor 2; plus strand). Cytogenetic location: 1q43.
Variant type: single nucleotide variant.
Coding change: c.14801C>A on transcript NM_001035.3 (MANE Select); coding-DNA position 14801, C replaced by A.
Protein change: p.Thr4934Lys; replaces threonine 4934 with lysine.
Molecular consequence: missense variant.
Genome position (GRCh38, 1-based): chr1:237,831,558, C>A. VCF-style: chr1-237831558-C-A. GRCh37 (hg19) VCF-style: chr1-237994858-C-A.
Other names: short protein forms T4934K.
Identifiers: ClinVar variation 2576590 (VCV002576590.2), dbSNP rs2528487471, ClinGen allele CA345409980.